The following is an entry in ClinVar:

ClinVar aggregate classification (germline): Uncertain significance (1 of 4 stars; one submission).

Conditions:
Cardiovascular phenotype. Identifiers: MedGen CN230736.

gnomAD v4.1: 3 of 1,533,818 alleles (0.0002%); highest among the groups gnomAD compares: Non-Finnish European, 0.00027%; no homozygotes.

Submission:

Ambry Genetics
Classification: Uncertain significance for Cardiovascular phenotype. Last evaluated: 2026-06-22. Review status: criteria provided, single submitter. Criteria: Ambry Variant Classification Scheme 2023. Collection method: clinical testing. Allele origin: germline.
Comment: The c.618+5A>G intronic variant results from an A to G substitution 5 nucleotides after coding exon 5 in the GPD1L gene. This nucleotide position is well conserved in available vertebrate species. In silico splice site analysis predicts that this alteration will not have any significant effect on splicing. The evidence for this gene-disease relationship is limited; therefore, the clinical significance of this variant is unclear.

NM_015141.4(GPD1L):c.618+5A>G

Gene: GPD1L (glycerol-3-phosphate dehydrogenase 1 like; plus strand). Cytogenetic location: 3p22.3.
Variant type: single nucleotide variant.
Coding change: c.618+5A>G on transcript NM_015141.4 (MANE Select); 5 bases into the intron after coding-DNA position 618, A replaced by G.
Molecular consequence: intron variant.
Genome position (GRCh38, 1-based): chr3:32,146,739, A>G. VCF-style: chr3-32146739-A-G. GRCh37 (hg19) VCF-style: chr3-32188231-A-G.
Identifiers: ClinVar variation 5022482 (VCV005022482.1).
Genomic context (GRCh38, chr3:32,146,739, plus strand): 5'-TTCGAATTACCGTGGTTGATGATGCAGACACTGTTGAACTCTGTGGTGCGCTTAAGGTAA[A>G]GTCAGCCTCAGGGGAGGAGTTCATCAAGCAAGGCAAATGTTAGCATCATTGAGTCTAATC-3'